The following is an entry in ClinVar:

NM_058195.4(CDKN2A):c.58del (p.Arg19_Val20insTer)

Gene: CDKN2A (cyclin dependent kinase inhibitor 2A; minus strand). Cytogenetic location: 9p21.3.
Variant type: Deletion.
Coding change: c.58del on transcript NM_058195.4 (MANE Plus Clinical); coding-DNA position 58, one base deleted (G; older notation c.58delG).
Protein change: p.Arg19_Val20insTer.
Molecular consequence: nonsense. On other transcripts: intron variant (1).
Genome position (GRCh38, 1-based): chr9:21,994,274, C deleted on the plus strand (G on the coding strand, the reverse complement: CDKN2A is on the minus strand). VCF-style (leftmost placement, unchanged base first): chr9-21994273-AC-A. GRCh37 (hg19) VCF-style: chr9-21994272-AC-A.
Other names: c.-4+547del (NM_001363763.2).
Identifiers: ClinVar variation 576650 (VCV000576650.7), dbSNP rs1563902931, ClinGen allele CA891842870.
Genomic context (GRCh38, chr9:21,994,273, plus strand): 5'-GGCGCCCCTGGCGCTGCCCACTCCCCCGTGAGCCGCGGGATGTGAACCACGAAAACCCTC[AC>A]TCGCGGCGGGCCGCACGCGCGCCGAATCCGGAGGGTCACCAAGAACCTGCGCACCATGTT-3'

ClinVar aggregate classification (germline): Conflicting classifications of pathogenicity. Review status: criteria provided, conflicting classifications (1 of 4 stars). 4 submissions from 4 submitters: Pathogenic (2); Likely pathogenic (1); Uncertain significance (1). Last evaluated 2025-08-29.

Conditions:
Hereditary cancer-predisposing syndrome. Also called: Hereditary Cancer Syndrome; Neoplastic Syndromes, Hereditary; Tumor predisposition; Hereditary neoplastic syndrome. Identifiers: Orphanet 140162, MedGen C0027672, MeSH D009386, MONDO:0015356.
Familial melanoma. Also called: Hereditary melanoma; Hereditary cutaneous melanoma. Identifiers: Orphanet 618, MedGen C1512419, MONDO:0018961.
Melanoma-pancreatic cancer syndrome. Identifiers: Orphanet 404560, MedGen C1838547, MONDO:0011713, OMIM 606719. Disease mechanism: loss of function.

Allele frequency attached by ClinVar (database versions not stated): gnomAD exomes below 0.00001.

Submissions (4):

Ambry Genetics
Classification: Uncertain significance for Hereditary cancer-predisposing syndrome. Last evaluated: 2025-08-29. Review status: criteria provided, single submitter. Criteria: Ambry Variant Classification Scheme 2023. Collection method: clinical testing. Allele origin: germline.
Comment: The c.58delG variant, located in coding exon 1 of the CDKN2A (p14ARF) gene, results from a deletion of one nucleotide at nucleotide position 58, causing a translational frameshift with a predicted alternate stop codon (p.V20*). This alteration was reported in an individual diagnosed with multiple primary melanomas (Bruno W et al. J Am Acad Dermatol, 2016 Feb;74:325-32). This alteration is expected to result in premature protein truncation or nonsense-mediated mRNA decay. However, loss of function has not been clearly established as a mechanism of disease for the p14 isoform of CDKN2A. Based on the available evidence, the clinical significance of this variant remains unclear.

Myriad Genetics, Inc.
Classification: Pathogenic for Melanoma-pancreatic cancer syndrome. Last evaluated: 2025-08-12. Review status: criteria provided, single submitter. Criteria: Myriad Autosomal Dominant, Autosomal Recessive and X-Linked Classification Criteria (2023). Collection method: clinical testing. Allele origin: unknown.
Comment: This variant is considered pathogenic. This variant creates a termination codon and is predicted to result in premature protein truncation.

Labcorp Genetics (formerly Invitae), Labcorp
Classification: Pathogenic for Familial melanoma. Last evaluated: 2021-09-08. Review status: criteria provided, single submitter. Criteria: Invitae Variant Classification Sherloc (09022015). Collection method: clinical testing. Allele origin: germline.
Comment: This sequence change creates a premature translational stop signal (p.Val20*) in the CDKN2A (p14ARF) gene. It is expected to result in an absent or disrupted protein product. Loss-of-function variants in CDKN2A (p14ARF) are known to be pathogenic (PMID: 11571653, 15856016, 17440112). This variant is not present in population databases (ExAC no frequency). This variant has not been reported in the literature in individuals affected with CDKN2A (p14ARF)-related conditions. For these reasons, this variant has been classified as Pathogenic.

Sema4
Classification: Likely pathogenic for Hereditary cancer-predisposing syndrome. Last evaluated: 2021-04-05. Review status: criteria provided, single submitter. Criteria: Sema4 Curation Guidelines. Collection method: curation. Allele origin: germline.
Comment: The CDKN2A c.58delG (p.V20X) has been reported in heterozygosity in an individual with multiple primary melanoma (PMID: 26775776). This variant has also been reported in heterozygosity in an individual with a clinical history of Hodgkin's lymphoma, retroperitoneal lymphangioma, breast cancer, and perivascular epithelioid cell tumors; however, this individual also carried a potentially pathogenic variant in the PMS1 gene (DOI 10.7150/oncm.19362). This variant is located in the first exon of CDKN2 beta transcript, which encodes the p14ARF tumor suppressor protein. This nonsense variant creates a premature stop codon at residue 20 of the CDKN2A protein. Loss-of-function variants in CDKN2A are known to be pathogenic (PMID: 11571653, 15856016, 17440112).This variant was not observed in the Genome Aggregation Database (PMID: 32461654). The variant has been reported in ClinVar (Variation ID: 576650). Based on the current evidence available, this variant is interpreted as likely pathogenic.

Literature cited by the submitters: PubMed 26775776 (cited by Ambry Genetics and Sema4); PubMed 11571653 (cited by Labcorp Genetics (formerly Invitae), Labcorp and Sema4); PubMed 15856016 (cited by Labcorp Genetics (formerly Invitae), Labcorp and Sema4); PubMed 17440112 (cited by Labcorp Genetics (formerly Invitae), Labcorp and Sema4).